The following is an entry in ClinVar:

ClinVar aggregate classification (germline): Uncertain significance (1 of 4 stars; one submission).

Allele frequency attached by ClinVar (database versions not stated): ExAC 0.00001; gnomAD 0.00005.

Submission:

Labcorp Genetics (formerly Invitae), Labcorp
Classification: Uncertain significance. Last evaluated: 2025-09-02. Review status: criteria provided, single submitter. Criteria: Invitae Variant Classification Sherloc (09022015). Collection method: clinical testing. Allele origin: germline.
Comment: This sequence change replaces arginine, which is basic and polar, with tryptophan, which is neutral and slightly polar, at codon 426 of the TOP1MT protein (p.Arg426Trp). This variant is present in population databases (rs776787819, gnomAD 0.02%). This variant has not been reported in the literature in individuals affected with TOP1MT-related conditions. ClinVar contains an entry for this variant (Variation ID: 2980024). Invitae Evidence Modeling of protein sequence and biophysical properties (such as structural, functional, and spatial information, amino acid conservation, physicochemical variation, residue mobility, and thermodynamic stability) indicates that this missense variant is expected to disrupt TOP1MT protein function with a positive predictive value of 80%. In summary, the available evidence is currently insufficient to determine the role of this variant in disease. Therefore, it has been classified as a Variant of Uncertain Significance.

NM_052963.3(TOP1MT):c.1276C>T (p.Arg426Trp)

Gene: TOP1MT (DNA topoisomerase I mitochondrial; minus strand). Cytogenetic location: 8q24.3.
Variant type: single nucleotide variant.
Coding change: c.1276C>T on transcript NM_052963.3 (MANE Select); coding-DNA position 1276, C replaced by T.
Protein change: p.Arg426Trp; replaces arginine 426 with tryptophan.
Molecular consequence: missense variant.
Genome position (GRCh38, 1-based): chr8:143,317,777, G>A on the plus strand (C>T on the coding strand, the complement: TOP1MT is on the minus strand). VCF-style: chr8-143317777-G-A. GRCh37 (hg19) VCF-style: chr8-144399947-G-A.
Other names: c.982C>T, p.Arg328Trp (NM_001258446.1, NM_001258447.1); short protein forms R426W, R328W.
Identifiers: ClinVar variation 2980024 (VCV002980024.3), dbSNP rs776787819, ClinGen allele CA4908396.